The following is an entry in ClinVar:

ClinVar aggregate classification (germline): Benign (1 of 4 stars; one submission).

Allele frequency attached by ClinVar (database versions not stated): 1000 Genomes Project 30x 0.43051; 1000 Genomes Project 0.43291; TOPMed 0.44522; gnomAD 0.46283 and 0.46734.
gnomAD v4.1: 67,490 of 144,234 alleles (47%); highest among the groups gnomAD compares: Admixed American, 59%; 16,456 homozygotes.

Submission:

GeneDx
Classification: Benign. Last evaluated: 2018-06-14. Review status: criteria provided, single submitter. Criteria: GeneDx Variant Classification (06012015). Collection method: clinical testing. Allele origin: germline. Affected: yes.
Comment: This variant is considered likely benign or benign based on one or more of the following criteria: it is a conservative change, it occurs at a poorly conserved position in the protein, it is predicted to be benign by multiple in silico algorithms, and/or has population frequency not consistent with disease.

NM_006846.4(SPINK5):c.1092+172A>G

Gene: SPINK5 (serine peptidase inhibitor Kazal type 5; plus strand). Cytogenetic location: 5q32.
Variant type: single nucleotide variant.
Coding change: c.1092+172A>G on transcript NM_006846.4 (MANE Select); 172 bases into the intron after coding-DNA position 1092, A replaced by G.
Molecular consequence: intron variant.
Genome position (GRCh38, 1-based): chr5:148,099,487, A>G. VCF-style: chr5-148099487-A-G. GRCh37 (hg19) VCF-style: chr5-147479050-A-G.
Other names: c.1092+172A>G (NM_001127698.2, NM_001127699.2).
Identifiers: ClinVar variation 677134 (VCV000677134.1), dbSNP rs35661442, ClinGen allele CA128917341.
Genomic context (GRCh38, chr5:148,099,487, plus strand): 5'-TCAATCTGGGGATGGTATTGAGATGAATTATATGGGAAGATTGATCCATTCTTGCTGATT[A>G]AAAACTAACTCTGCAAAAAAAAAAAAAAAAAATTGTTTAAAAGCTGAAAAACTGAGTTCT-3'